The following is an entry in ClinVar:

ClinVar aggregate classification (germline): Likely benign. Review status: criteria provided, multiple submitters, no conflicts (2 of 4 stars). 2 submissions from 2 submitters: Likely benign (2). Last evaluated 2026-06-08.

Conditions:
TTN-related disorder. Also called: TTN-related disorders; TTN-related condition; TTN-related disease.

Allele frequency attached by ClinVar (database versions not stated): ExAC 0.00001; gnomAD 0.00003.

Submissions (2):

PreventionGenetics, part of Exact Sciences
Classification: Likely benign for TTN-related condition. Last evaluated: 2026-06-08. Review status: criteria provided, single submitter. Criteria: ACMG Guidelines, 2015. Collection method: clinical testing. Allele origin: germline.
Comment: This variant is classified as likely benign based on ACMG/AMP sequence variant interpretation guidelines (Richards et al. 2015 PMID: 25741868, with internal and published modifications).

Labcorp Genetics (formerly Invitae), Labcorp
Classification: Likely benign. Last evaluated: 2018-06-08. Review status: criteria provided, single submitter. Criteria: Invitae Variant Classification Sherloc (09022015). Collection method: clinical testing. Allele origin: germline.

NM_001267550.2(TTN):c.36790+8T>C

Gene: TTN (titin; minus strand). Cytogenetic location: 2q31.2.
Variant type: single nucleotide variant.
Coding change: c.36790+8T>C on transcript NM_001267550.2 (MANE Select); 8 bases into the intron after coding-DNA position 36790, T replaced by C.
Molecular consequence: intron variant.
Genome position (GRCh38, 1-based): chr2:178,662,958, A>G on the plus strand (T>C on the coding strand, the complement: TTN is on the minus strand). VCF-style: chr2-178662958-A-G. GRCh37 (hg19) VCF-style: chr2-179527685-A-G.
Other names: c.13283-20641T>C (NM_003319.4); c.13859-20641T>C (NM_133437.4); c.13658-20641T>C (NM_133432.3); c.31573+8T>C (NM_133378.4); c.34354+8T>C (NM_001256850.1).
Identifiers: ClinVar variation 750759 (VCV000750759.4), dbSNP rs754890117, ClinGen allele CA1997353.